The following is an entry in ClinVar:

NM_018671.5(UNC45A):c.430C>T (p.Arg144Ter)

Gene: UNC45A (unc-45 myosin chaperone A; plus strand). Cytogenetic location: 15q26.1.
Variant type: single nucleotide variant.
Coding change: c.430C>T on transcript NM_018671.5 (MANE Select); coding-DNA position 430, C replaced by T.
Protein change: p.Arg144Ter; replaces arginine 144 with a stop codon.
Molecular consequence: nonsense. On other transcripts: 5 prime UTR variant (1).
Genome position (GRCh38, 1-based): chr15:90,939,734, C>T. VCF-style: chr15-90939734-C-T. GRCh37 (hg19) VCF-style: chr15-91482964-C-T.
Other names: c.385C>T, p.Arg129Ter (NM_001039675.2, NM_001323621.2); c.430C>T, p.Arg144Ter (NM_001323619.1); c.-6C>T (NM_001323620.2); short protein forms R129*, R144*.
Identifiers: ClinVar variation 4755066 (VCV004755066.1).
Genomic context (GRCh38, chr15:90,939,734, plus strand): 5'-GTGTGATGTCTCTGGCCAAGAGCCGTGATTTGTTCCATGCTTTGTTGGTTTGTCTAGGTG[C>T]GATACATGTCCTCGACGGATGCCAAAGTGGAACAGATGTTTCAGATACTGTTGGACCCAG-3'

ClinVar aggregate classification (germline): Uncertain significance (1 of 4 stars; one submission).

gnomAD v4.1: 63 of 1,613,926 alleles (0.0039%); highest among the groups gnomAD compares: South Asian, 0.0055%; no homozygotes.

Submission:

Labcorp Genetics (formerly Invitae), Labcorp
Classification: Uncertain significance. Last evaluated: 2026-01-17. Review status: criteria provided, single submitter. Criteria: Invitae Variant Classification Sherloc (09022015). Collection method: clinical testing. Allele origin: germline.
Comment: This sequence change creates a premature translational stop signal (p.Arg144*) in the UNC45A gene. It is expected to result in an absent or disrupted protein product. However, the current clinical and genetic evidence is not sufficient to establish whether loss-of-function variants in UNC45A cause disease. This variant is present in population databases (no rsID available, gnomAD 0.004%). This variant has not been reported in the literature in individuals affected with UNC45A-related conditions. In summary, the available evidence is currently insufficient to determine the role of this variant in disease. Therefore, it has been classified as a Variant of Uncertain Significance.